The following is an entry in ClinVar:

ClinVar aggregate classification (germline): Uncertain significance (1 of 4 stars; one submission).

Conditions:
Cardiovascular phenotype. Identifiers: MedGen CN230736.

Submission:

Ambry Genetics
Classification: Uncertain significance for Cardiovascular phenotype. Last evaluated: 2025-06-23. Review status: criteria provided, single submitter. Criteria: Ambry Variant Classification Scheme 2023. Collection method: clinical testing. Allele origin: germline.
Comment: The p.S659C variant (also known as c.1976C>G), located in coding exon 13 of the DSC2 gene, results from a C to G substitution at nucleotide position 1976. The serine at codon 659 is replaced by cysteine, an amino acid with dissimilar properties. This amino acid position is conserved. In addition, this alteration is predicted to be tolerated by in silico analysis. Based on the available evidence, the clinical significance of this variant remains unclear.

NM_024422.6(DSC2):c.1976C>G (p.Ser659Cys)

Gene: DSC2 (desmocollin 2; minus strand). Cytogenetic location: 18q12.1.
Variant type: single nucleotide variant.
Coding change: c.1976C>G on transcript NM_024422.6 (MANE Select); coding-DNA position 1976, C replaced by G.
Protein change: p.Ser659Cys; replaces serine 659 with cysteine.
Molecular consequence: missense variant.
Genome position (GRCh38, 1-based): chr18:31,071,754, G>C on the plus strand (C>G on the coding strand, the complement: DSC2 is on the minus strand). VCF-style: chr18-31071754-G-C. GRCh37 (hg19) VCF-style: chr18-28651720-G-C.
Other names: c.1547C>G, p.Ser516Cys (NM_001406506.1, NM_001406507.1); c.1976C>G, p.Ser659Cys (NM_004949.5); short protein forms S516C, S659C.
Identifiers: ClinVar variation 4244895 (VCV004244895.1).